The following is an entry in ClinVar:

NM_001035.3(RYR2):c.3069C>G (p.Asp1023Glu)

Gene: RYR2 (ryanodine receptor 2; plus strand). Cytogenetic location: 1q43.
Variant type: single nucleotide variant.
Coding change: c.3069C>G on transcript NM_001035.3 (MANE Select); coding-DNA position 3069, C replaced by G.
Protein change: p.Asp1023Glu; replaces aspartic acid 1023 with glutamic acid.
Molecular consequence: missense variant.
Genome position (GRCh38, 1-based): chr1:237,550,546, C>G. VCF-style: chr1-237550546-C-G. GRCh37 (hg19) VCF-style: chr1-237713846-C-G.
Other names: short protein forms D1023E.
Identifiers: ClinVar variation 3683575 (VCV003683575.2).
Genomic context (GRCh38, chr1:237,550,546, plus strand): 5'-CTTATTTCTAAAAGCCCTTGGTATTGCTTTGACGGCTGCACCCTGTGTTTTCCTGCAGGA[C>G]GTAAAGAACAGAAGAAATCCTCGCCTTGTTCCCTACACTCTTCTGGATGACCGAACCAAG-3'
Protein context (NP_001026.2, residues 1013-1033): RQGWTYGIQQ[Asp1023Glu]VKNRRNPRLV

ClinVar aggregate classification (germline): Uncertain significance (1 of 4 stars; one submission).

Conditions:
Catecholaminergic polymorphic ventricular tachycardia 1. Also called: VENTRICULAR TACHYCARDIA, STRESS-INDUCED POLYMORPHIC 1; VENTRICULAR TACHYCARDIA, CATECHOLAMINERGIC POLYMORPHIC, 1, WITH OR WITHOUT ATRIAL DYSFUNCTION AND/OR DILATED CARDIOMYOPATHY; RYR2-Related Catecholaminergic Polymorphic Ventricular Tachycardia. Identifiers: Orphanet 3286, MedGen C1631597, MONDO:0011484, OMIM 604772.

Submission:

Labcorp Genetics (formerly Invitae), Labcorp
Classification: Uncertain significance for Catecholaminergic polymorphic ventricular tachycardia 1. Last evaluated: 2024-07-31. Review status: criteria provided, single submitter. Criteria: Invitae Variant Classification Sherloc (09022015). Collection method: clinical testing. Allele origin: germline.
Comment: This sequence change replaces aspartic acid, which is acidic and polar, with glutamic acid, which is acidic and polar, at codon 1023 of the RYR2 protein (p.Asp1023Glu). This variant is not present in population databases (gnomAD no frequency). This variant has not been reported in the literature in individuals affected with RYR2-related conditions. An algorithm developed to predict the effect of missense changes on protein structure and function (PolyPhen-2) suggests that this variant is likely to be disruptive. In summary, the available evidence is currently insufficient to determine the role of this variant in disease. Therefore, it has been classified as a Variant of Uncertain Significance.